The following is an entry in ClinVar:

ClinVar aggregate classification (germline): Uncertain significance (1 of 4 stars; one submission).

Conditions:
Snijders Blok-Campeau syndrome. Also called: INTELLECTUAL DEVELOPMENTAL DISORDER WITH MACROCEPHALY, SPEECH DELAY, AND DYSMORPHIC FACIES. Identifiers: Orphanet 599082, MedGen C4748701, MONDO:0032600, OMIM 618205.

gnomAD v4.1: 14 of 1,602,540 alleles (0.00087%); highest among the groups gnomAD compares: East Asian, 0.0022%; no homozygotes.

Submission:

Pittsburgh Clinical Genomics Laboratory, University of Pittsburgh Medical Center
Classification: Uncertain significance for Snijders Blok-Campeau syndrome. Last evaluated: 2024-06-17. Review status: criteria provided, single submitter. Criteria: ACMG Guidelines, 2015. Collection method: clinical testing. Allele origin: germline. Inheritance: Autosomal dominant inheritance. Affected: yes.
Comment: This sequence variant is a single nucleotide substitution (G>A) at position 14 bases prior to CHD3 exon 8. This variant is absent from ClinVar and, to our knowledge, has not been observed in the clinical literature in an individual affected by a CHD3-related disorder. This variant is present in 8 of 398682 alleles (0.0020%) in the gnomAD population dataset. In silico splice predictors indicate that this variant may disrupt the canonical splicing of intron 7. However, this prediction has not been evaluated in a functional study, to our knowledge. At this time, there is insufficient evidence to determine if this variant is pathogenic or benign. Therefore, we consider this a variant of uncertain significance. ACMG Criteria: PM2, PP3

NM_001005273.3(CHD3):c.1076-14G>A

Genes: CHD3 (chromodomain helicase DNA binding protein 3; plus strand), LOC126862484 (CDK7 strongly-dependent group 2 enhancer GRCh37_chr17:7797066-7798265; plus strand). Cytogenetic location: 17p13.1.
Variant type: single nucleotide variant.
Coding change: c.1076-14G>A on transcript NM_001005273.3 (MANE Select); 14 bases into the intron before coding-DNA position 1076, G replaced by A.
Molecular consequence: intron variant.
Genome position (GRCh38, 1-based): chr17:7,894,401, G>A. VCF-style: chr17-7894401-G-A. GRCh37 (hg19) VCF-style: chr17-7797719-G-A.
Other names: c.1253-14G>A (NM_001005271.3); c.1076-14G>A (NM_005852.4).
Identifiers: ClinVar variation 3376414 (VCV003376414.1).
Genomic context (GRCh38, chr17:7,894,401, plus strand): 5'-TTCAACCCTTCTCCCTCTCTCTCTCCATCTCCCCCTGCCCTGCTTCCTTATCCCTCCACC[G>A]GGGTATATGACAGTCCTGGGCTGTCCTGCAGTGGCCGGGGAGGAGGAGGTTGATGGCTAC-3'